The following is an entry in ClinVar:

c.1180-1181delCT

Variant type: Deletion.
Identifiers: ClinVar variation 65832 (VCV000065832.3).

ClinVar aggregate classification (germline): Pathogenic (0 of 4 stars; one submission).

Conditions:
Cholestanol storage disease (CTX). Also called: CEREBRAL CHOLESTERINOSIS; Cerebrotendinous Xanthomatosis; CTX: Cerebrotendinous xanthomatosis. Identifiers: Orphanet 909, MedGen C0238052, MONDO:0008948, OMIM 213700.

Submission:

GeneReviews
Classification: Pathogenic for Cerebrotendinous Xanthomatosis. Last evaluated: 2013-08-01. Review status: no assertion criteria provided. Collection method: curation. Allele origin: unknown.
ClinVar note: Converted during submission from pathologic to Pathogenic.